The following is an entry in ClinVar:

NM_207391.3(RGS9BP):c.445G>C (p.Glu149Gln)

Gene: RGS9BP (regulator of G protein signaling 9 binding protein; plus strand). Cytogenetic location: 19q13.11.
Variant type: single nucleotide variant.
Coding change: c.445G>C on transcript NM_207391.3 (MANE Select); coding-DNA position 445, G replaced by C.
Protein change: p.Glu149Gln; replaces glutamic acid 149 with glutamine.
Molecular consequence: missense variant.
Genome position (GRCh38, 1-based): chr19:32,676,708, G>C. VCF-style: chr19-32676708-G-C. GRCh37 (hg19) VCF-style: chr19-33167614-G-C.
Other names: short protein forms E149Q.
Identifiers: ClinVar variation 1898996 (VCV001898996.5), dbSNP rs888421524, ClinGen allele CA307486299.

ClinVar aggregate classification (germline): Uncertain significance (1 of 4 stars; one submission).

Submission:

Labcorp Genetics (formerly Invitae), Labcorp
Classification: Uncertain significance. Last evaluated: 2024-11-18. Review status: criteria provided, single submitter. Criteria: Invitae Variant Classification Sherloc (09022015). Collection method: clinical testing. Allele origin: germline.
Comment: This sequence change replaces glutamic acid, which is acidic and polar, with glutamine, which is neutral and polar, at codon 149 of the RGS9BP protein (p.Glu149Gln). This variant is not present in population databases (gnomAD no frequency). This variant has not been reported in the literature in individuals affected with RGS9BP-related conditions. ClinVar contains an entry for this variant (Variation ID: 1898996). An algorithm developed to predict the effect of missense changes on protein structure and function outputs the following: PolyPhen-2: "Benign". The glutamine amino acid residue is found in multiple mammalian species, which suggests that this missense change does not adversely affect protein function. In summary, the available evidence is currently insufficient to determine the role of this variant in disease. Therefore, it has been classified as a Variant of Uncertain Significance.